The following is an entry in ClinVar:

ClinVar aggregate classification (germline): Pathogenic (1 of 4 stars; one submission).

Conditions:
Wilson disease (WND). Also called: Wilson's disease. Identifiers: Orphanet 905, MedGen C0019202, MONDO:0010200, OMIM 277900. Disease mechanism: loss of function.

Submission:

Labcorp Genetics (formerly Invitae), Labcorp
Classification: Pathogenic for Wilson disease. Last evaluated: 2021-06-18. Review status: criteria provided, single submitter. Criteria: Invitae Variant Classification Sherloc (09022015). Collection method: clinical testing. Allele origin: germline.
Comment: This variant is not present in population databases (ExAC no frequency). For these reasons, this variant has been classified as Pathogenic. This variant has not been reported in the literature in individuals with ATP7B-related conditions. This sequence change creates a premature translational stop signal (p.Tyr1090*) in the ATP7B gene. It is expected to result in an absent or disrupted protein product. Loss-of-function variants in ATP7B are known to be pathogenic (PMID: 10441329, 16283883).

Literature cited by the submitters: PubMed 10441329; PubMed 16283883.

NM_000053.4(ATP7B):c.3270C>G (p.Tyr1090Ter)

Gene: ATP7B (ATPase copper transporting beta; minus strand). Cytogenetic location: 13q14.3.
Variant type: single nucleotide variant.
Coding change: c.3270C>G on transcript NM_000053.4 (MANE Select); coding-DNA position 3270, C replaced by G.
Protein change: p.Tyr1090Ter; replaces tyrosine 1090 with a stop codon.
Molecular consequence: nonsense.
Genome position (GRCh38, 1-based): chr13:51,942,528, G>C on the plus strand (C>G on the coding strand, the complement: ATP7B is on the minus strand). VCF-style: chr13-51942528-G-C. GRCh37 (hg19) VCF-style: chr13-52516664-G-C.
Other names: c.2649C>G, p.Tyr883Ter (NM_001005918.3); c.2937C>G, p.Tyr979Ter (NM_001243182.2); c.3036C>G, p.Tyr1012Ter (NM_001330578.2); c.3018C>G, p.Tyr1006Ter (NM_001330579.2); short protein forms Y1012*, Y979*, Y1006*, Y883*, Y1090*.
Identifiers: ClinVar variation 1456711 (VCV001456711.6), dbSNP rs2138857747, ClinGen allele CA388028837.
Genomic context (GRCh38, chr13:51,942,528, plus strand): 5'-TTCCACGTTGCTGACTTTGCACCCAATTCCACAGCCTGGCACTGCCTGGAAGTCCGTGCA[G>C]TATCCCAAGGTCTCTGTTCCAAGTTCCTGGGAAGGTGGAAAGAGAGGAAGAGGAAACTGT-3'